The following is an entry in ClinVar:

NM_173495.3(PTCHD1):c.1957A>G (p.Thr653Ala)

Gene: PTCHD1 (patched domain containing 1; plus strand). Cytogenetic location: Xp22.11.
Variant type: single nucleotide variant.
Coding change: c.1957A>G on transcript NM_173495.3 (MANE Select); coding-DNA position 1957, A replaced by G.
Protein change: p.Thr653Ala; replaces threonine 653 with alanine.
Molecular consequence: missense variant.
Genome position (GRCh38, 1-based): chrX:23,393,475, A>G. VCF-style: chrX-23393475-A-G. GRCh37 (hg19) VCF-style: chrX-23411592-A-G.
Other names: short protein forms T653A.
Identifiers: ClinVar variation 1706157 (VCV001706157.2), dbSNP rs369086749, ClinGen allele CA10369204.

ClinVar aggregate classification (germline): Uncertain significance (1 of 4 stars; one submission).

Allele frequency attached by ClinVar (database versions not stated): gnomAD exomes below 0.00001; ExAC 0.00002; gnomAD 0.00004; TOPMed 0.00005; ESP Exome Variant Server 0.00009.
gnomAD v4.1: 8 of 1,208,907 alleles (0.00066%); highest among the groups gnomAD compares: African/African-American, 0.014%; no homozygotes.

Submission:

GeneDx
Classification: Uncertain significance. Last evaluated: 2022-09-15. Review status: criteria provided, single submitter. Criteria: GeneDx Variant Classification Process June 2021. Collection method: clinical testing. Allele origin: germline. Affected: yes.
Comment: In silico analysis supports that this missense variant does not alter protein structure/function; Has not been previously published as pathogenic or benign to our knowledge